The following is an entry in ClinVar:

ClinVar aggregate classification (germline): Conflicting classifications of pathogenicity. Review status: criteria provided, conflicting classifications (1 of 4 stars). 3 submissions from 3 submitters: Uncertain significance (1); Likely benign (1). 1 of the submissions does not count toward it. Last evaluated 2025-08-04.

Conditions:
OSGEP-related disorder. Also called: OSGEP-related condition.

Allele frequency attached by ClinVar (database versions not stated): gnomAD exomes 0.00037; ExAC 0.00041; gnomAD 0.00130 and 0.00138; TOPMed 0.00152; ESP Exome Variant Server 0.00161; 1000 Genomes Project 30x 0.00172; 1000 Genomes Project 0.00180.
gnomAD v4.1: 385 of 1,613,542 alleles (0.024%); highest among the groups gnomAD compares: African/African-American, 0.46%; 1 homozygote.

Submissions (3):

Labcorp Genetics (formerly Invitae), Labcorp
Classification: Likely benign. Last evaluated: 2025-08-04. Review status: criteria provided, single submitter. Criteria: Invitae Variant Classification Sherloc (09022015). Collection method: clinical testing. Allele origin: germline.

Eurofins Ntd Llc (ga)
Classification: Uncertain significance. Last evaluated: 2018-05-23. Review status: criteria provided, single submitter. Criteria: EGL ClinVar v180209 classification definitions. Collection method: clinical testing. Allele origin: germline. Observed: 1 variant allele, 1 heterozygote.

PreventionGenetics, part of Exact Sciences
Classification: Likely benign for OSGEP-related condition. Last evaluated: 2020-11-16. Review status: no assertion criteria provided. Collection method: clinical testing. Allele origin: germline. Not counted in ClinVar's aggregate classification.
Comment: This variant is classified as likely benign based on ACMG/AMP sequence variant interpretation guidelines (Richards et al. 2015 PMID: 25741868, with internal and published modifications).

NM_017807.4(OSGEP):c.355C>T (p.Leu119Phe)

Genes: OSGEP (O-sialoglycoprotein endopeptidase; minus strand), LOC107372315 (OSGEP/APEX1 bi-directional promoter region; plus strand). Cytogenetic location: 14q11.2.
Variant type: single nucleotide variant.
Coding change: c.355C>T on transcript NM_017807.4 (MANE Select); coding-DNA position 355, C replaced by T.
Protein change: p.Leu119Phe; replaces leucine 119 with phenylalanine.
Molecular consequence: missense variant.
Genome position (GRCh38, 1-based): chr14:20,452,030, G>A on the plus strand (C>T on the coding strand, the complement: OSGEP is on the minus strand). VCF-style: chr14-20452030-G-A. GRCh37 (hg19) VCF-style: chr14-20920189-G-A.
Other names: short protein forms L119F.
Identifiers: ClinVar variation 597378 (VCV000597378.17), dbSNP rs147548960, ClinGen allele CA7081266.
Genomic context (GRCh38, chr14:20,452,030, plus strand): 5'-ATACCTGCGTATTTCCTCCACTCACATACAACACGGTTGGGCTGGTGGCTCCAGTGATGA[G>A]GCGGCCCATCTCAATGTGGCCTATACAGTGGTTCACACCCACCAATGGCTTATTCCACAG-3'
Protein context (NP_060277.1, residues 109-129): HCIGHIEMGR[Leu119Phe]ITGATSPTVL